The following is an entry in ClinVar:

NM_002971.6(SATB1):c.456A>G (p.Thr152=)

Gene: SATB1 (SATB homeobox 1; minus strand). Cytogenetic location: 3p24.3.
Variant type: single nucleotide variant.
Coding change: c.456A>G on transcript NM_002971.6 (MANE Select); coding-DNA position 456, A replaced by G.
Protein change: p.Thr152=; no amino-acid change (threonine 152 retained).
Molecular consequence: synonymous variant.
Genome position (GRCh38, 1-based): chr3:18,416,066, T>C on the plus strand (A>G on the coding strand, the complement: SATB1 is on the minus strand). VCF-style: chr3-18416066-T-C. GRCh37 (hg19) VCF-style: chr3-18457558-T-C.
Other names: c.456A>G, p.Thr152= (NM_001131010.4, NM_001195470.3, NM_001322871.2 and 4 more transcripts); c.240A>G, p.Thr80= (NM_001322876.2).
Identifiers: ClinVar variation 4989550 (VCV004989550.1).
Genomic context (GRCh38, chr3:18,416,066, plus strand): 5'-CCTGTGTAACTGAATTTTCAATGTGACCACATGATACACATCTTGAAGCATATCTGCTAC[T>C]GTAGCATCAGGGGCATCTGTCACGTAAGACAGTGGAACTGGATTCCACTTTCCAACCTGG-3'
Protein context (NP_002962.1, residues 142-162): LSYVTDAPDA[Thr152=]VADMLQDVYH

ClinVar aggregate classification (germline): Likely benign (1 of 4 stars; one submission).

Conditions:
SATB1-related disorder. Also called: SATB1-related condition.

gnomAD v4.1: 1 of 1,611,084 alleles (0.000062%); highest among the groups gnomAD compares: Middle Eastern, 0.017%; no homozygotes.

Submission:

PreventionGenetics, part of Exact Sciences
Classification: Likely benign for SATB1-related condition. Last evaluated: 2025-02-25. Review status: criteria provided, single submitter. Criteria: ACMG Guidelines, 2015. Collection method: clinical testing. Allele origin: germline.
Comment: This variant is classified as likely benign based on ACMG/AMP sequence variant interpretation guidelines (Richards et al. 2015 PMID: 25741868, with internal and published modifications).